The following is an entry in ClinVar:

NM_004364.5(CEBPA):c.581C>A (p.Pro194Gln)

Gene: CEBPA (CCAAT enhancer binding protein alpha; minus strand). Cytogenetic location: 19q13.11.
Variant type: single nucleotide variant.
Coding change: c.581C>A on transcript NM_004364.5 (MANE Select); coding-DNA position 581, C replaced by A.
Protein change: p.Pro194Gln; replaces proline 194 with glutamine.
Molecular consequence: missense variant.
Genome position (GRCh38, 1-based): chr19:33,301,834, G>T on the plus strand (C>A on the coding strand, the complement: CEBPA is on the minus strand). VCF-style: chr19-33301834-G-T. GRCh37 (hg19) VCF-style: chr19-33792740-G-T.
Other names: c.224C>A, p.Pro75Gln (NM_001285829.2); c.686C>A, p.Pro229Gln (NM_001287424.2); c.539C>A, p.Pro180Gln (NM_001287435.2); short protein forms P194Q, P229Q, P75Q, P180Q.
Identifiers: ClinVar variation 2008163 (VCV002008163.4), dbSNP rs1487598012, ClinGen allele CA405274647.

ClinVar aggregate classification (germline): Uncertain significance (1 of 4 stars; one submission).

Conditions:
Acute myeloid leukemia (AML). Also called: Acute myeloid leukemia, adult; AML adult; Acute non-lymphocytic leukemia; Acute granulocytic leukemia; Leukemia, acute myeloid, somatic; Leukemia, acute myelogenous, somatic. Identifiers: Orphanet 519, MedGen C0023467, MeSH D015470, MONDO:0018874, OMIM 601626, HP:0004808. Disease mechanism: Constitutively activated FLT3.

Submission:

Labcorp Genetics (formerly Invitae), Labcorp
Classification: Uncertain significance for Acute myeloid leukemia. Last evaluated: 2022-06-18. Review status: criteria provided, single submitter. Criteria: Invitae Variant Classification Sherloc (09022015). Collection method: clinical testing. Allele origin: germline.
Comment: In summary, the available evidence is currently insufficient to determine the role of this variant in disease. Therefore, it has been classified as a Variant of Uncertain Significance. Algorithms developed to predict the effect of missense changes on protein structure and function (SIFT, PolyPhen-2, Align-GVGD) all suggest that this variant is likely to be tolerated. This variant has not been reported in the literature in individuals affected with CEBPA-related conditions. This variant is not present in population databases (gnomAD no frequency). This sequence change replaces proline, which is neutral and non-polar, with glutamine, which is neutral and polar, at codon 194 of the CEBPA protein (p.Pro194Gln).